The following is an entry in ClinVar:

NM_000352.6(ABCC8):c.586_601del (p.Ile196fs)

Gene: ABCC8 (ATP binding cassette subfamily C member 8; minus strand). Cytogenetic location: 11p15.1.
Variant type: Deletion.
Coding change: c.586_601del on transcript NM_000352.6 (MANE Select); coding-DNA positions 586 to 601, 16 bases deleted (ATCTTCTTCAAGACAC).
Protein change: p.Ile196fs; shifts the reading frame from isoleucine 196.
Molecular consequence: frameshift variant. On other transcripts: non-coding transcript variant (1).
Genome position (GRCh38, 1-based): chr11:17,461,804-17,461,819, GTGTCTTGAAGAAGAT deleted on the plus strand (ATCTTCTTCAAGACAC on the coding strand, the reverse complement: ABCC8 is on the minus strand); deleting any 16 consecutive bases within chr11:17,461,804-17,461,821 gives the same sequence; the c. name uses the placement nearest the transcript's 3' end. VCF-style (leftmost placement, unchanged base first): chr11-17461803-GGTGTCTTGAAGAAGAT-G. GRCh37 (hg19) VCF-style: chr11-17483350-GGTGTCTTGAAGAAGAT-G.
Other names: c.586_601del, p.Ile196fs (NM_001287174.3, NM_001351295.2, NM_001351296.2 and 1 more transcripts); short protein forms I196fs.
Identifiers: ClinVar variation 5015375 (VCV005015375.1).
Genomic context (GRCh38, chr11:17,461,803, plus strand): 5'-AAGGGCTGCAGGAAGCGTACCCCCAGGTCTTGCAGGTCCTCGGGAGGCTTCACCTCCCTC[GGTGTCTTGAAGAAGAT>G]GTATCTCTGTGGGGCACATGGGCCATGGGGGATGGGTAAGTCCAACTTCTCACCACTCCC-3'

ClinVar aggregate classification (germline): Pathogenic (1 of 4 stars; one submission).

Conditions:
Hyperinsulinemic hypoglycemia, familial, 1 (HHF1). Also called: HYPERINSULINISM, FAMILIAL, WITH PANCREATIC NESIDIOBLASTOSIS; HYPOGLYCEMIA, HYPERINSULINEMIC, OF INFANCY; NESIDIOBLASTOSIS OF PANCREAS; Persistent Hyperinsulinemia Hypoglycemia of Infancy; Persistent hyperinsulinemic hypoglycemia of infancy. Identifiers: Orphanet 276575, Orphanet 276598, MedGen C2931832, MONDO:0009734, OMIM 256450.

Submission:

Myriad Genetics, Inc.
Classification: Pathogenic for Hyperinsulinemic hypoglycemia, familial, 1. Last evaluated: 2025-12-27. Review status: criteria provided, single submitter. Criteria: Myriad Autosomal Dominant, Autosomal Recessive and X-Linked Classification Criteria (2023). Collection method: clinical testing. Allele origin: unknown.
Comment: NM_000352.3(ABCC8):c.586_601del16(I196Rfs*4) is expected to be pathogenic in the context of familial hyperinsulinism, ABCC8-related. This variant is predicted to lead to an abnormal or absent protein product due to the creation of a premature termination codon in ABCC8, a gene where loss-of-function variants are known to be pathogenic. Please note: this variant was assessed in the context of healthy population screening.